The following is an entry in ClinVar:

NM_014251.3(SLC25A13):c.1453-1G>C

Gene: SLC25A13 (solute carrier family 25 member 13; minus strand). Cytogenetic location: 7q21.3.
Variant type: single nucleotide variant.
Coding change: c.1453-1G>C on transcript NM_014251.3 (MANE Select); the canonical splice acceptor site of the intron before coding-DNA position 1453, G replaced by C.
Molecular consequence: splice acceptor variant.
Genome position (GRCh38, 1-based): chr7:96,131,882, C>G on the plus strand (G>C on the coding strand, the complement: SLC25A13 is on the minus strand). VCF-style: chr7-96131882-C-G. GRCh37 (hg19) VCF-style: chr7-95761194-C-G.
Other names: c.1456-1G>C (NM_001160210.2).
Identifiers: ClinVar variation 2678817 (VCV002678817.3), dbSNP rs1792048079, ClinGen allele CA368260031.
Genomic context (GRCh38, chr7:96,131,882, plus strand): 5'-ATAGCACGGAAAGTAGATGGCCGAGAAAGGAATGTCCCGCAGAAAGCATGCTTTGGCACC[C>G]TGCACATTTGCAAAGGAAGAAAAACCACATGAAACACATATCCCATTGAGGAGATCAAGC-3'

ClinVar aggregate classification (germline): Pathogenic/Likely pathogenic. Review status: criteria provided, multiple submitters, no conflicts (2 of 4 stars). 2 submissions from 2 submitters: Pathogenic (1); Likely pathogenic (1). Last evaluated 2024-05-22.

Conditions:
Citrullinemia, type II, adult-onset (CDAA). Also called: CITRIN DEFICIENCY, ADOLESCENT OR ADULT ONSET. Identifiers: Orphanet 247585, MedGen CN295299, MONDO:0011326, OMIM 603471.
Citrin deficiency. Identifiers: Orphanet 247582, MedGen C1997910, MONDO:0016602.

Allele frequency attached by ClinVar (database versions not stated): gnomAD exomes below 0.00001.
gnomAD v4.1: 1 of 1,613,950 alleles (0.000062%); highest among the groups gnomAD compares: Non-Finnish European, 0.000085%; no homozygotes.

Submissions (2):

Labcorp Genetics (formerly Invitae), Labcorp
Classification: Pathogenic for Citrin deficiency. Last evaluated: 2024-05-22. Review status: criteria provided, single submitter. Criteria: Invitae Variant Classification Sherloc (09022015). Collection method: clinical testing. Allele origin: germline.
Comment: This sequence change affects an acceptor splice site in intron 14 of the SLC25A13 gene. It is expected to disrupt RNA splicing. Variants that disrupt the donor or acceptor splice site typically lead to a loss of protein function (PMID: 16199547), and loss-of-function variants in SLC25A13 are known to be pathogenic (PMID: 10369257, 14680984, 27405544). This variant is not present in population databases (gnomAD no frequency). Disruption of this splice site has been observed in individual(s) with clinical features of citrin deficiency (PMID: 33497767). Studies have shown that disruption of this splice site alters mRNA splicing and is expected to lead to the loss of protein expression (PMID: 33497767). For these reasons, this variant has been classified as Pathogenic.

Baylor Genetics
Classification: Likely pathogenic for Citrullinemia, type II, adult-onset. Last evaluated: 2023-09-05. Review status: criteria provided, single submitter. Criteria: ACMG Guidelines, 2015. Collection method: clinical testing. Allele origin: unknown.

Literature cited by the submitters: PubMed 16199547 (cited by Labcorp Genetics (formerly Invitae), Labcorp); PubMed 10369257 (cited by Labcorp Genetics (formerly Invitae), Labcorp); PubMed 14680984 (cited by Labcorp Genetics (formerly Invitae), Labcorp); PubMed 27405544 (cited by Labcorp Genetics (formerly Invitae), Labcorp); PubMed 33497767 (cited by Labcorp Genetics (formerly Invitae), Labcorp).